The following is an entry in ClinVar:

ClinVar aggregate classification (germline): Uncertain significance (1 of 4 stars; one submission).

Conditions:
Isovaleryl-CoA dehydrogenase deficiency (IVA). Also called: Isovaleric acidemia; Classic Isovaleric Acidemia; ISOVALERIC ACID CoA DEHYDROGENASE DEFICIENCY; IVD DEFICIENCY. Identifiers: Orphanet 33, MedGen C0268575, MONDO:0009475, OMIM 243500.

Submission:

Labcorp Genetics (formerly Invitae), Labcorp
Classification: Uncertain significance for Isovaleryl-CoA dehydrogenase deficiency. Last evaluated: 2023-07-10. Review status: criteria provided, single submitter. Criteria: Invitae Variant Classification Sherloc (09022015). Collection method: clinical testing. Allele origin: germline.
Comment: In summary, the available evidence is currently insufficient to determine the role of this variant in disease. Therefore, it has been classified as a Variant of Uncertain Significance. This variant disrupts the p.Cys360 amino acid residue in IVD. Other variant(s) that disrupt this residue have been observed in individuals with IVD-related conditions (PMID: 9665741), which suggests that this may be a clinically significant amino acid residue. An algorithm developed to predict the effect of missense changes on protein structure and function (PolyPhen-2) suggests that this variant is likely to be disruptive. ClinVar contains an entry for this variant (Variation ID: 1954508). This missense change has been observed in individual(s) with isovaleric acidemia (Invitae). In at least one individual the data is consistent with being in trans (on the opposite chromosome) from a pathogenic variant. This variant is not present in population databases (gnomAD no frequency). This sequence change replaces cysteine, which is neutral and slightly polar, with tryptophan, which is neutral and slightly polar, at codon 360 of the IVD protein (p.Cys360Trp).

Literature cited by the submitters: PubMed 9665741.

NM_002225.5(IVD):c.1071T>G (p.Cys357Trp)

Gene: IVD (isovaleryl-CoA dehydrogenase; plus strand). Cytogenetic location: 15q15.1.
Variant type: single nucleotide variant.
Coding change: c.1071T>G on transcript NM_002225.5 (MANE Select); coding-DNA position 1071, T replaced by G.
Protein change: p.Cys357Trp; replaces cysteine 357 with tryptophan.
Molecular consequence: missense variant. On other transcripts: non-coding transcript variant (1).
Genome position (GRCh38, 1-based): chr15:40,416,295, T>G. VCF-style: chr15-40416295-T-G. GRCh37 (hg19) VCF-style: chr15-40708494-T-G.
Other names: c.981T>G, p.Cys327Trp (NM_001159508.3); c.1023T>G, p.Cys341Trp (NM_001354597.3); c.1071T>G, p.Cys357Trp (NM_001354598.3, NM_001354601.3); c.1158T>G, p.Cys386Trp (NM_001354599.3, NM_001354600.3); short protein forms C327W, C386W, C341W, C357W.
Identifiers: ClinVar variation 1954508 (VCV001954508.5), dbSNP rs2542759845, ClinGen allele CA391723722.